The following is an entry in ClinVar:

ClinVar aggregate classification (germline): Uncertain significance (1 of 4 stars; one submission).

Conditions:
Fanconi anemia (FA). Also called: Fanconi's anemia. Identifiers: Orphanet 84, MedGen C0015625, MeSH D005199, MONDO:0019391.

Submission:

Labcorp Genetics (formerly Invitae), Labcorp
Classification: Uncertain significance for Fanconi anemia. Last evaluated: 2020-11-22. Review status: criteria provided, single submitter. Criteria: Invitae Variant Classification Sherloc (09022015). Collection method: clinical testing. Allele origin: germline.
Comment: This sequence change replaces histidine with arginine at codon 1248 of the FANCM protein (p.His1248Arg). The histidine residue is weakly conserved and there is a small physicochemical difference between histidine and arginine. This variant has not been reported in the literature in individuals with FANCM-related conditions. This variant is not present in population databases (ExAC no frequency). Algorithms developed to predict the effect of missense changes on protein structure and function output the following: SIFT: "Tolerated"; PolyPhen-2: "Benign"; Align-GVGD: "Class C0". The arginine amino acid residue is found in multiple mammalian species, suggesting that this missense change does not adversely affect protein function. These predictions have not been confirmed by published functional studies and their clinical significance is uncertain. In summary, the available evidence is currently insufficient to determine the role of this variant in disease. Therefore, it has been classified as a Variant of Uncertain Significance.

NM_020937.4(FANCM):c.3743A>G (p.His1248Arg)

Gene: FANCM (FA complementation group M; plus strand). Cytogenetic location: 14q21.2.
Variant type: single nucleotide variant.
Coding change: c.3743A>G on transcript NM_020937.4 (MANE Select); coding-DNA position 3743, A replaced by G.
Protein change: p.His1248Arg; replaces histidine 1248 with arginine.
Molecular consequence: missense variant.
Genome position (GRCh38, 1-based): chr14:45,176,497, A>G. VCF-style: chr14-45176497-A-G. GRCh37 (hg19) VCF-style: chr14-45645700-A-G.
Other names: c.3665A>G, p.His1222Arg (NM_001308133.2); short protein forms H1222R, H1248R.
Identifiers: ClinVar variation 1487551 (VCV001487551.8), dbSNP rs1181209142, ClinGen allele CA389602844.
Genomic context (GRCh38, chr14:45,176,497, plus strand): 5'-TTTCTGTTACCTTTGATTTAGGATTCTGTAGTCCAGATTCTGATGATGAAATATTGGAAC[A>G]TACATCAGATAGCAATAGACCTCTAGATGATCTATATGGAAGGTATTTGGAAATTAAGGA-3'
Protein context (NP_065988.1, residues 1238-1258): SPDSDDEILE[His1248Arg]TSDSNRPLDD